The following is an entry in ClinVar:

NM_016653.3(MAP3K20):c.467G>T (p.Arg156Leu)

Gene: MAP3K20 (mitogen-activated protein kinase kinase kinase 20; plus strand). Cytogenetic location: 2q31.1.
Variant type: single nucleotide variant.
Coding change: c.467G>T on transcript NM_016653.3 (MANE Select); coding-DNA position 467, G replaced by T.
Protein change: p.Arg156Leu; replaces arginine 156 with leucine.
Molecular consequence: missense variant.
Genome position (GRCh38, 1-based): chr2:173,191,062, G>T. VCF-style: chr2-173191062-G-T. GRCh37 (hg19) VCF-style: chr2-174055790-G-T.
Other names: c.467G>T, p.Arg156Leu (NM_133646.3); short protein forms R156L.
Identifiers: ClinVar variation 4535359 (VCV004535359.6).

ClinVar aggregate classification (germline): Uncertain significance (1 of 4 stars; one submission).

gnomAD v4.1: 1 of 1,613,752 alleles (0.000062%); highest among the groups gnomAD compares: Non-Finnish European, 0.000085%; no homozygotes.

Submission:

CeGaT Center for Human Genetics Tuebingen
Classification: Uncertain significance. Last evaluated: 2025-11-01. Review status: criteria provided, single submitter. Criteria: CeGaT Center For Human Genetics Tuebingen Variant Classification Criteria Version 2. Collection method: clinical testing. Allele origin: germline. Affected: yes. Observed: 1 variant allele.
Comment: MAP3K20: PM2, PP3